The following is an entry in ClinVar:

NM_000535.7(PMS2):c.354-12A>G

Gene: PMS2 (PMS1 homolog 2, mismatch repair system component; minus strand). Cytogenetic location: 7p22.1.
Variant type: single nucleotide variant.
Coding change: c.354-12A>G on transcript NM_000535.7 (MANE Select); 12 bases into the intron before coding-DNA position 354, A replaced by G.
Molecular consequence: intron variant. On other transcripts: synonymous variant (1).
Genome position (GRCh38, 1-based): chr7:6,002,648, T>C on the plus strand (A>G on the coding strand, the complement: PMS2 is on the minus strand). VCF-style: chr7-6002648-T-C. GRCh37 (hg19) VCF-style: chr7-6042279-T-C.
Other names: c.33A>G, p.Val11= (NM_001322015.2); c.36-12A>G (NM_001322008.2, NM_001322007.2); c.-52-12A>G (NM_001322010.2, NM_001322004.2, NM_001322013.2 and 3 more transcripts); c.-531-12A>G (NM_001322012.2, NM_001322011.2); c.354-12A>G (NM_001322006.2, NM_001322014.2).
Identifiers: ClinVar variation 492277 (VCV000492277.15), dbSNP rs1554304135, ClinGen allele CA658683459.

ClinVar aggregate classification (germline): Conflicting classifications of pathogenicity. Review status: criteria provided, conflicting classifications (1 of 4 stars). 5 submissions from 5 submitters: Uncertain significance (1); Likely benign (4). Last evaluated 2025-01-24.

Conditions:
Hereditary nonpolyposis colorectal neoplasms. Identifiers: MedGen C0009405, MeSH D003123.
Mismatch repair cancer syndrome 1 (MMRCS1). Also called: BRAIN TUMOR-POLYPOSIS SYNDROME 1; BTP1 SYNDROME; CHILDHOOD CANCER SYNDROME; MISMATCH REPAIR DEFICIENCY; MMR DEFICIENCY. Identifiers: Orphanet 252202, MedGen C5399763, MONDO:0010159, OMIM 276300. Disease mechanism: loss of function.
Hereditary cancer-predisposing syndrome. Also called: Hereditary neoplastic syndrome; Tumor predisposition; Hereditary Cancer Syndrome; Neoplastic Syndromes, Hereditary. Identifiers: Orphanet 140162, MedGen C0027672, MeSH D009386, MONDO:0015356.
Lynch syndrome 4 (LYNCH4). Also called: Colorectal cancer, hereditary nonpolyposis, type 4; Hereditary non-polyposis colorectal cancer, type 4. Identifiers: Orphanet 144, MedGen C1838333, MONDO:0013699, OMIM 614337. Disease mechanism: loss of function.

Allele frequency attached by ClinVar (database versions not stated): gnomAD exomes below 0.00001; TOPMed below 0.00001.
gnomAD v4.1: 4 of 1,607,068 alleles (0.00025%); highest among the groups gnomAD compares: South Asian, 0.0022%; no homozygotes.

Submissions (5):

Myriad Genetics, Inc.
Classification: Likely benign for Lynch syndrome 4. Last evaluated: 2025-01-24. Review status: criteria provided, single submitter. Criteria: Myriad Autosomal Dominant, Autosomal Recessive and X-Linked Classification Criteria (2023). Collection method: clinical testing. Allele origin: unknown.
Comment: This variant is considered likely benign. This variant is intronic and is not expected to impact mRNA splicing.

Labcorp Genetics (formerly Invitae), Labcorp
Classification: Likely benign for Hereditary nonpolyposis colorectal neoplasms. Last evaluated: 2025-01-06. Review status: criteria provided, single submitter. Criteria: Invitae Variant Classification Sherloc (09022015). Collection method: clinical testing. Allele origin: germline.

Department of Pathology and Laboratory Medicine, Sinai Health System
Classification: Likely benign for mismatch repair cancer syndrome 1. Last evaluated: 2024-11-25. Review status: criteria provided, single submitter. Criteria: ACMG Guidelines, 2015. Collection method: clinical testing. Allele origin: germline.

Sema4
Classification: Uncertain significance for Hereditary cancer-predisposing syndrome. Last evaluated: 2021-10-26. Review status: criteria provided, single submitter. Criteria: Sema4 Curation Guidelines. Collection method: curation. Allele origin: germline.
Comment: The PMS2 c.354-12A>G variant has not been reported in the literature to our knowledge. This variant was observed in 1/251134 chromosomes in the Genome Aggregation Database (PMID: 32461654). This variant has been reported in ClinVar (Variation ID: 492277). Algorithms developed to predict the effect of sequence changes on RNA splicing do not suggest negative effect on normal splicing, though these predictions have not been confirmed by functional studies. The evidence is insufficient to meet ACMG/AMP criteria for classifying the variant as benign or pathogenic. Thus, the clinical significance of this variant is currently uncertain.

Color Diagnostics, LLC DBA Color Health
Classification: Likely benign for Hereditary cancer-predisposing syndrome. Last evaluated: 2017-02-21. Review status: criteria provided, single submitter. Criteria: ACMG Guidelines, 2015. Collection method: clinical testing. Allele origin: germline.